The following is an entry in ClinVar:

ClinVar aggregate classification (germline): Likely pathogenic (1 of 4 stars; one submission).

Submission:

GeneDx
Classification: Likely pathogenic. Last evaluated: 2017-02-23. Review status: criteria provided, single submitter. Criteria: GeneDx Variant Classification (06012015). Collection method: clinical testing. Allele origin: germline. Affected: yes.
Comment: The L2080P variant in the CHD7 gene has not been reported previously as a pathogenic variant, nor as a benign variant, to our knowledge. The L2080P variant is not observed in large population cohorts (Lek et al., 2016; 1000 Genomes Consortium et al., 2015; Exome Variant Server). The L2080P variant is a semi-conservative amino acid substitution, which may impact secondary protein structure as these residues differ in some properties. This substitution occurs at a position that is conserved across species. In silico analysis predicts this variant is probably damaging to the protein structure/function. We interpret L2080P as a likely pathogenic variant.

NM_017780.4(CHD7):c.6239T>C (p.Leu2080Pro)

Gene: CHD7 (chromodomain helicase DNA binding protein 7; plus strand). Cytogenetic location: 8q12.2.
Variant type: single nucleotide variant.
Coding change: c.6239T>C on transcript NM_017780.4 (MANE Select); coding-DNA position 6239, T replaced by C.
Protein change: p.Leu2080Pro; replaces leucine 2080 with proline.
Molecular consequence: missense variant. On other transcripts: intron variant (1).
Genome position (GRCh38, 1-based): chr8:60,852,964, T>C. VCF-style: chr8-60852964-T-C. GRCh37 (hg19) VCF-style: chr8-61765523-T-C.
Other names: c.6239T>C (LRG_176t1); c.1717-9265T>C (NM_001316690.1); short protein forms L2080P.
Identifiers: ClinVar variation 423762 (VCV000423762.2), dbSNP rs1064796615, ClinGen allele CA16618676.
Genomic context (GRCh38, chr8:60,852,964, plus strand): 5'-TGCTACGGAAGATCCGCGAGCAGGTTCTCCATCACCCCCAGCTGGGAGAGAGGCTTAAGC[T>C]CTGCCAGCCAAGCTTGGATCTGCCAGAGTGGTGGGAGTGTGGACGGCATGACCGAGACTT-3'
Protein context (NP_060250.2, residues 2070-2090): HHPQLGERLK[Leu2080Pro]CQPSLDLPEW